The following is an entry in ClinVar:

NM_007146.3(VEZF1):c.1008GCA[10] (p.Gln352_Gln354del)

Gene: VEZF1 (vascular endothelial zinc finger 1; minus strand). Cytogenetic location: 17q22.
Variant type: Microsatellite.
Coding change: c.1008GCA[10] on transcript NM_007146.3 (MANE Select); ten copies in a row of the 3-base unit GCA starting at c.1008; the reference has 13 copies in a row; three copies, 9 bases deleted.
Protein change: p.Gln352_Gln354del.
Genome position (GRCh38, 1-based): chr17:57,979,244-57,979,252, TGCTGCTGC deleted on the plus strand (GCAGCAGCA on the coding strand, the reverse complement: VEZF1 is on the minus strand); deleting any 9 consecutive bases within chr17:57,979,244-57,979,283 gives the same sequence; the position shown is the placement nearest the transcript's 3' end. VCF-style (leftmost placement, unchanged base first): chr17-57979243-TTGCTGCTGC-T. GRCh37 (hg19) VCF-style: chr17-56056604-TTGCTGCTGC-T.
Other names: c.981GCA[10], p.Gln343_Gln345del (NM_001330393.2).
Identifiers: ClinVar variation 3042684 (VCV003042684.2), dbSNP rs57786397, ClinGen allele CA501005800.

ClinVar aggregate classification (germline): Likely benign (0 of 4 stars; one submission).

Conditions:
VEZF1-related disorder. Also called: VEZF1-related condition.

Submission:

PreventionGenetics, part of Exact Sciences
Classification: Likely benign for VEZF1-related condition. Last evaluated: 2022-06-16. Review status: no assertion criteria provided. Collection method: clinical testing. Allele origin: germline.
Comment: This variant is classified as likely benign based on ACMG/AMP sequence variant interpretation guidelines (Richards et al. 2015 PMID: 25741868, with internal and published modifications).